The following is an entry in ClinVar:

NM_000179.3(MSH6):c.2883A>G (p.Arg961=)

Gene: MSH6 (mutS homolog 6; plus strand). Cytogenetic location: 2p16.3.
Variant type: single nucleotide variant.
Coding change: c.2883A>G on transcript NM_000179.3 (MANE Select); coding-DNA position 2883, A replaced by G.
Protein change: p.Arg961=; no amino-acid change (arginine 961 retained).
Molecular consequence: synonymous variant.
Genome position (GRCh38, 1-based): chr2:47,800,866, A>G. VCF-style: chr2-47800866-A-G. GRCh37 (hg19) VCF-style: chr2-48028005-A-G.
Other names: c.2493A>G, p.Arg831= (NM_001281492.2); c.1977A>G, p.Arg659= (NM_001281493.2, NM_001281494.2).
Identifiers: ClinVar variation 416152 (VCV000416152.20), dbSNP rs1060504747, ClinGen allele CA16610932.

ClinVar aggregate classification (germline): Benign/Likely benign. Review status: criteria provided, multiple submitters, no conflicts (2 of 4 stars). 5 submissions from 5 submitters: Benign (1); Likely benign (4). Last evaluated 2026-01-05.

Conditions:
Hereditary nonpolyposis colorectal neoplasms. Identifiers: MedGen C0009405, MeSH D003123.
Hereditary cancer-predisposing syndrome. Also called: Tumor predisposition; Neoplastic Syndromes, Hereditary; Hereditary neoplastic syndrome; Hereditary Cancer Syndrome. Identifiers: Orphanet 140162, MedGen C0027672, MeSH D009386, MONDO:0015356.
Lynch syndrome 5 (LYNCH5). Also called: Colorectal cancer, hereditary nonpolyposis, type 5; Hereditary non-polyposis colorectal cancer, type 5. Identifiers: Orphanet 144, MedGen C1833477, MONDO:0013710, OMIM 614350. Disease mechanism: loss of function.
Lynch syndrome. Identifiers: Orphanet 144, MedGen C4552100, MONDO:0005835. Disease mechanism: loss of function.

Allele frequency attached by ClinVar (database versions not stated): gnomAD exomes below 0.00001.
gnomAD v4.1: 2 of 1,613,774 alleles (0.00012%); highest among the groups gnomAD compares: Non-Finnish European, 0.000085%; no homozygotes.

Submissions (5):

Labcorp Genetics (formerly Invitae), Labcorp
Classification: Likely benign for Hereditary nonpolyposis colorectal neoplasms. Last evaluated: 2026-01-05. Review status: criteria provided, single submitter. Criteria: Invitae Variant Classification Sherloc (09022015). Collection method: clinical testing. Allele origin: germline.

Myriad Genetics, Inc.
Classification: Benign for Lynch syndrome 5. Last evaluated: 2025-01-03. Review status: criteria provided, single submitter. Criteria: Myriad Autosomal Dominant, Autosomal Recessive and X-Linked Classification Criteria (2023). Collection method: clinical testing. Allele origin: unknown.
Comment: This variant is considered benign. This variant is a silent/synonymous amino acid change and it is not expected to impact splicing.

All of Us Research Program, National Institutes of Health
Classification: Likely benign for Lynch syndrome. Last evaluated: 2024-03-24. Review status: criteria provided, single submitter. Criteria: ACMG Guidelines, 2015. Collection method: clinical testing. Allele origin: germline. Inheritance: Autosomal dominant inheritance. Observed: 1 variant allele, 1 heterozygote.
Comment: This study involves interpretation of variants in research participants for the purpose of population health screening. Participant phenotype was not available at the time of variant classification. Additional details can be found in publication PMID: 35346344, PMCID: PMC8962531

Color Diagnostics, LLC DBA Color Health
Classification: Likely benign for Hereditary cancer-predisposing syndrome. Last evaluated: 2017-04-28. Review status: criteria provided, single submitter. Criteria: ACMG Guidelines, 2015. Collection method: clinical testing. Allele origin: germline.

Ambry Genetics
Classification: Likely benign for Hereditary cancer-predisposing syndrome. Last evaluated: 2015-11-26. Review status: criteria provided, single submitter. Criteria: Ambry Variant Classification Scheme 2023. Collection method: clinical testing. Allele origin: germline.